The following is an entry in ClinVar:

ClinVar aggregate classification (germline): Likely benign (0 of 4 stars; one submission).

Conditions:
ZMYM2-related disorder. Also called: ZMYM2-related condition.

Allele frequency attached by ClinVar (database versions not stated): TOPMed 0.00002; gnomAD 0.00004; gnomAD exomes 0.00004; ExAC 0.00006; ESP Exome Variant Server 0.00008; 1000 Genomes Project 0.00040; 1000 Genomes Project 30x 0.00047.
gnomAD v4.1: 71 of 1,613,506 alleles (0.0044%); highest among the groups gnomAD compares: Non-Finnish European, 0.0056%; no homozygotes.

Submission:

PreventionGenetics, part of Exact Sciences
Classification: Likely benign for ZMYM2-related condition. Last evaluated: 2019-10-07. Review status: no assertion criteria provided. Collection method: clinical testing. Allele origin: germline.
Comment: This variant is classified as likely benign based on ACMG/AMP sequence variant interpretation guidelines (Richards et al. 2015 PMID: 25741868, with internal and published modifications).

NM_197968.4(ZMYM2):c.4110T>C (p.Tyr1370=)

Gene: ZMYM2 (zinc finger MYM-type containing 2; plus strand). Cytogenetic location: 13q12.11.
Variant type: single nucleotide variant.
Coding change: c.4110T>C on transcript NM_197968.4 (MANE Select); coding-DNA position 4110, T replaced by C.
Protein change: p.Tyr1370=; no amino-acid change (tyrosine 1370 retained).
Molecular consequence: synonymous variant. On other transcripts: non-coding transcript variant (1).
Genome position (GRCh38, 1-based): chr13:20,085,990, T>C. VCF-style: chr13-20085990-T-C. GRCh37 (hg19) VCF-style: chr13-20660130-T-C.
Other names: c.4110T>C, p.Tyr1370= (NM_001190964.4, NM_001190965.4, NM_001353157.2 and 4 more transcripts); c.3915T>C, p.Tyr1305= (NM_001353161.3); c.3849T>C, p.Tyr1283= (NM_001353163.2).
Identifiers: ClinVar variation 3046144 (VCV003046144.2), dbSNP rs200564632, ClinGen allele CA6903956.